The following is an entry in ClinVar:

NM_005366.5(MAGEA11):c.854C>G (p.Thr285Ser)

Gene: MAGEA11 (MAGE family member A11; plus strand). Cytogenetic location: Xq28.
Variant type: single nucleotide variant.
Coding change: c.854C>G on transcript NM_005366.5 (MANE Select); coding-DNA position 854, C replaced by G.
Protein change: p.Thr285Ser; replaces threonine 285 with serine.
Molecular consequence: missense variant.
Genome position (GRCh38, 1-based): chrX:149,716,340, C>G. VCF-style: chrX-149716340-C-G. GRCh37 (hg19) VCF-style: chrX-148798000-C-G.
Other names: c.767C>G, p.Thr256Ser (NM_001011544.2); short protein forms T256S, T285S.
Identifiers: ClinVar variation 2661621 (VCV002661621.24), dbSNP rs782680112, ClinGen allele CA10538211.

ClinVar aggregate classification (germline): Likely benign (1 of 4 stars; one submission).

Allele frequency attached by ClinVar (database versions not stated): gnomAD 0.00005; TOPMed 0.00005; 1000 Genomes Project 30x 0.00021.

Submission:

CeGaT Center for Human Genetics Tuebingen
Classification: Likely benign. Last evaluated: 2023-01-01. Review status: criteria provided, single submitter. Criteria: CeGaT Center For Human Genetics Tuebingen Variant Classification Criteria Version 2. Collection method: clinical testing. Allele origin: germline. Affected: yes. Observed: 1 variant allele.
Comment: MAGEA11: BP4, BS2